The following is an entry in ClinVar:

NM_000051.4(ATM):c.6205C>T (p.Gln2069Ter)

Genes: ATM (ATM serine/threonine kinase; plus strand), C11orf65 (chromosome 11 open reading frame 65; minus strand). Cytogenetic location: 11q22.3.
Variant type: single nucleotide variant.
Coding change: c.6205C>T on transcript NM_000051.4 (MANE Select); coding-DNA position 6205, C replaced by T.
Protein change: p.Gln2069Ter; replaces glutamine 2069 with a stop codon.
Molecular consequence: nonsense. On other transcripts: intron variant (2).
Genome position (GRCh38, 1-based): chr11:108,317,379, C>T. VCF-style: chr11-108317379-C-T. GRCh37 (hg19) VCF-style: chr11-108188106-C-T.
Other names: c.6205C>T, p.Gln2069Ter (NM_001351834.2); c.641-8308G>A (NM_001330368.2); c.*39-8308G>A (NM_001351110.2); short protein forms Q2069*.
Identifiers: ClinVar variation 807375 (VCV000807375.50), dbSNP rs1555114563, ClinGen allele CA382551038.

ClinVar aggregate classification (germline): Pathogenic. Review status: criteria provided, multiple submitters, no conflicts (2 of 4 stars). 3 submissions from 3 submitters: Pathogenic (3). Last evaluated 2024-03-21.

Conditions:
Familial cancer of breast. Also called: Hereditary breast cancer; BREAST CANCER, FAMILIAL; hereditary breast carcinoma. Identifiers: Orphanet 227535, MedGen C0346153, MONDO:0016419, OMIM 114480. Disease mechanism: loss of function.
Ataxia-telangiectasia syndrome (AT). Also called: ATAXIA-TELANGIECTASIA, COMPLEMENTATION GROUP A; ATAXIA-TELANGIECTASIA, FRESNO VARIANT; Ataxia-telangiectasia; Ataxia-telangiectasia, complementation group D; AT, COMPLEMENTATION GROUP C; Ataxia-telangiectasia, complementation group E. Identifiers: Orphanet 100, MedGen C0004135, MONDO:0008840, OMIM 208900.

Submissions (3):

Fulgent Genetics
Classification: Pathogenic for Familial cancer of breast; Ataxia-telangiectasia syndrome. Last evaluated: 2024-03-21. Review status: criteria provided, single submitter. Criteria: ACMG Guidelines, 2015. Collection method: clinical testing. Allele origin: germline.

Labcorp Genetics (formerly Invitae), Labcorp
Classification: Pathogenic for Ataxia-telangiectasia syndrome. Last evaluated: 2022-08-09. Review status: criteria provided, single submitter. Criteria: Invitae Variant Classification Sherloc (09022015). Collection method: clinical testing. Allele origin: germline.
Comment: This premature translational stop signal has been observed in individual(s) with ataxia-telangiectasia (PMID: 31403082). It has also been observed to segregate with disease in related individuals. For these reasons, this variant has been classified as Pathogenic. ClinVar contains an entry for this variant (Variation ID: 807375). This variant is not present in population databases (gnomAD no frequency). This sequence change creates a premature translational stop signal (p.Gln2069*) in the ATM gene. It is expected to result in an absent or disrupted protein product. Loss-of-function variants in ATM are known to be pathogenic (PMID: 23807571, 25614872).

Institute of Human Genetics Munich, TUM University Hospital
Classification: Pathogenic for Ataxia-telangiectasia syndrome. Last evaluated: 2019-02-14. Review status: criteria provided, single submitter. Criteria: Classification criteria August 2017. Collection method: clinical testing. Allele origin: paternal. Inheritance: Autosomal recessive inheritance. Affected: yes. Observed: 1 compound heterozygote.

Literature cited by the submitters: PubMed 31403082 (cited by Labcorp Genetics (formerly Invitae), Labcorp); PubMed 23807571 (cited by Labcorp Genetics (formerly Invitae), Labcorp); PubMed 25614872 (cited by Labcorp Genetics (formerly Invitae), Labcorp).